The following is an entry in ClinVar:

NM_001267550.2(TTN):c.55378A>G (p.Thr18460Ala)

Genes: TTN (titin; minus strand), TTN-AS1 (TTN antisense RNA 1; plus strand). Cytogenetic location: 2q31.2.
Variant type: single nucleotide variant.
Coding change: c.55378A>G on transcript NM_001267550.2 (MANE Select); coding-DNA position 55378, A replaced by G.
Protein change: p.Thr18460Ala; replaces threonine 18460 with alanine.
Molecular consequence: missense variant.
Genome position (GRCh38, 1-based): chr2:178,601,712, T>C on the plus strand (A>G on the coding strand, the complement: TTN is on the minus strand). VCF-style: chr2-178601712-T-C. GRCh37 (hg19) VCF-style: chr2-179466439-T-C.
Other names: c.28183A>G, p.Thr9395Ala (NM_003319.4); c.28558A>G, p.Thr9520Ala (NM_133432.3); c.28759A>G, p.Thr9587Ala (NM_133437.4); c.50455A>G, p.Thr16819Ala (NM_001256850.1); c.47674A>G, p.Thr15892Ala (NM_133378.4); short protein forms T15892A, T18460A, T16819A, T9395A, T9587A, T9520A.
Identifiers: ClinVar variation 165968 (VCV000165968.25), dbSNP rs727503600, ClinGen allele CA178711.

ClinVar aggregate classification (germline): Conflicting classifications of pathogenicity. Review status: criteria provided, conflicting classifications (1 of 4 stars). 11 submissions from 11 submitters: Uncertain significance (9); Likely benign (2). Last evaluated 2026-03-16.

Conditions:
Cardiovascular phenotype. Identifiers: MedGen CN230736.
Autosomal recessive limb-girdle muscular dystrophy type 2J (LGMDR10). Also called: Limb-girdle muscular dystrophy, type 2J; MUSCULAR DYSTROPHY, LIMB-GIRDLE, AUTOSOMAL RECESSIVE 10. Identifiers: Orphanet 140922, MedGen C1837342, MONDO:0012127, OMIM 608807.
Dilated cardiomyopathy 1G (CMD1G). Identifiers: Orphanet 154, MedGen C1858763, MONDO:0011400, OMIM 604145.
Tibial muscular dystrophy (TMD). Also called: Tibial muscular dystrophy, tardive; UDD MYOPATHY; Udd Distal Myopathy – Tibial Muscular Dystrophy. Identifiers: Orphanet 609, MedGen C1838244, MONDO:0010870, OMIM 600334.
Hypertrophic cardiomyopathy 9. Also called: Familial hypertrophic cardiomyopathy 9. Identifiers: MedGen C1861065, MONDO:0013412, OMIM 613765.
Myopathy, myofibrillar, 9, with early respiratory failure (MFM9). Also called: Hereditary myopathy with early respiratory failure; EDSTROM MYOPATHY; MYOPATHY, PROXIMAL, WITH EARLY RESPIRATORY MUSCLE INVOLVEMENT; Myopathy, distal, with early respiratory failure, autosomal dominant. Identifiers: Orphanet 178464, Orphanet 34521, MedGen C1863599, MONDO:0011362, OMIM 603689.
Early-onset myopathy with fatal cardiomyopathy (CMYO5). Also called: CONGENITAL MYOPATHY 5 WITH CARDIOMYOPATHY; Salih Myopathy. Identifiers: Orphanet 289377, MedGen C2673677, MONDO:0012714, OMIM 611705. Disease mechanism: loss of function.
Cardiomyopathy (CMYO). Also called: Cardiomyopathies. Identifiers: Orphanet 167848, MedGen C0878544, MONDO:0004994, HP:0001638. Inheritance: Various modes of inheritance.

Allele frequency attached by ClinVar (database versions not stated): gnomAD exomes 0.00005 and 0.00007; ExAC 0.00006; gnomAD 0.00011 and 0.00012; TOPMed 0.00027.
gnomAD v4.1: 106 of 1,609,554 alleles (0.0066%); highest among the groups gnomAD compares: Admixed American, 0.051%; no homozygotes.

Submissions (11):

Women's Health and Genetics/Laboratory Corporation of America, LabCorp
Classification: Uncertain significance. Last evaluated: 2026-03-16. Review status: criteria provided, single submitter. Criteria: LabCorp Variant Classification Summary - May 2015. Collection method: clinical testing. Allele origin: germline.
Comment: Variant summary: TTN c.47674A>G (p.Thr15892Ala) results in a non-conservative amino acid change in the encoded protein sequence. Algorithms developed to predict the effect of missense changes on protein structure and function all suggest that this variant is likely to be disruptive. The variant allele was found at a frequency of 6.9e-05 in 244736 control chromosomes. This frequency is not significantly higher than estimated for disease-causing variants in TTN, allowing no conclusion about variant significance. To our knowledge, no occurrence of c.47674A>G in individuals affected with TTN-related conditions and no experimental evidence demonstrating its impact on protein function have been reported. The following publications have been ascertained in the context of this evaluation (PMID: 37704042, 36450981). ClinVar contains an entry for this variant (Variation ID: 165968). Based on the evidence outlined above, the variant was classified as uncertain significance.

Revvity Omics, Revvity
Classification: Uncertain significance. Last evaluated: 2024-05-30. Review status: criteria provided, single submitter. Criteria: ACMG Guidelines, 2015. Collection method: clinical testing. Allele origin: germline.

Fulgent Genetics
Classification: Uncertain significance for Tibial muscular dystrophy; Myopathy, myofibrillar, 9, with early respiratory failure; Dilated cardiomyopathy 1G; Autosomal recessive limb-girdle muscular dystrophy type 2J; Early-onset myopathy with fatal cardiomyopathy; Hypertrophic cardiomyopathy 9. Last evaluated: 2024-05-28. Review status: criteria provided, single submitter. Criteria: ACMG Guidelines, 2015. Collection method: clinical testing. Allele origin: germline.

Blueprint Genetics
Classification: Likely benign. Last evaluated: 2022-05-13. Review status: criteria provided, single submitter. Criteria: ACMG Guidelines, 2015. Collection method: clinical testing. Allele origin: germline.

GeneDx
Classification: Likely benign. Last evaluated: 2021-04-01. Review status: criteria provided, single submitter. Criteria: GeneDx Variant Classification Process June 2021. Collection method: clinical testing. Allele origin: germline. Affected: yes.

Ambry Genetics
Classification: Uncertain significance for Cardiovascular phenotype. Last evaluated: 2019-09-27. Review status: criteria provided, single submitter. Criteria: Ambry Variant Classification Scheme 2023. Collection method: clinical testing. Allele origin: germline.
Comment: The p.T9395A variant (also known as c.28183A>G), located in coding exon 113 of the TTN gene, results from an A to G substitution at nucleotide position 28183. The threonine at codon 9395 is replaced by alanine, an amino acid with similar properties. This amino acid position is highly conserved in available vertebrate species. In addition, this alteration is predicted to be tolerated by in silico analysis. Since supporting evidence is limited at this time, the clinical significance of this alteration remains unclear.

Center for Advanced Laboratory Medicine, UC San Diego Health, University of California San Diego
Classification: Uncertain significance for Cardiomyopathy. Last evaluated: 2019-05-28. Review status: criteria provided, single submitter. Criteria: ACMG Guidelines, 2015. Collection method: clinical testing. Allele origin: germline. Affected: yes. Observed: 1 variant allele.

Labcorp Genetics (formerly Invitae), Labcorp
Classification: Uncertain significance for Dilated cardiomyopathy 1G; Autosomal recessive limb-girdle muscular dystrophy type 2J. Last evaluated: 2017-09-28. Review status: criteria provided, single submitter. Criteria: Invitae Variant Classification Sherloc (09022015). Collection method: clinical testing. Allele origin: germline.

CHEO Genetics Diagnostic Laboratory, Children's Hospital of Eastern Ontario
Classification: Uncertain significance for Cardiomyopathy. Last evaluated: 2017-09-21. Review status: criteria provided, single submitter. Criteria: ACMG Guidelines, 2015. Collection method: clinical testing. Allele origin: germline. Study: Canadian Open Genetics Repository.

Eurofins Ntd Llc (ga)
Classification: Uncertain significance. Last evaluated: 2017-05-03. Review status: criteria provided, single submitter. Criteria: EGL Classification Definitions 2015. Collection method: clinical testing. Allele origin: germline. Observed: 1 variant allele, 1 heterozygote.

Laboratory for Molecular Medicine, Mass General Brigham Personalized Medicine
Classification: Uncertain significance. Last evaluated: 2014-01-28. Review status: criteria provided, single submitter. Criteria: LMM Criteria. Collection method: clinical testing. Allele origin: germline. Observed: 1 variant allele.
Comment: The Thr15892Ala variant in TTN has not been reported in individuals with cardiom yopathy or in large population studies. The affected amino acid is well conserve d in evolution, suggesting that a change would not be tolerated. Other computati onal analyses (biochemical amino acid properties, AlignGVGD, PolyPhen2, and SIFT ) do not provide strong support for or against an impact to the protein. Additio nal information is needed to fully assess the clinical significance of the Thr15 892Ala variant.

Literature cited by the submitters: PubMed 37704042 (cited by Women's Health and Genetics/Laboratory Corporation of America, LabCorp); PubMed 36450981 (cited by Women's Health and Genetics/Laboratory Corporation of America, LabCorp).